The following is an entry in ClinVar:

ClinVar aggregate classification (germline): Likely benign. Review status: criteria provided, multiple submitters, no conflicts (2 of 4 stars). 6 submissions from 6 submitters: Likely benign (3). 3 of the submissions do not count toward it. Last evaluated 2025-11-01.

Conditions:
ACAN-related disorder. Also called: ACAN-related disorders; ACAN-related condition.

Allele frequency attached by ClinVar (database versions not stated): 1000 Genomes Project 30x 0.00016; 1000 Genomes Project 0.00020; TOPMed 0.00138; gnomAD 0.00154 and 0.00162; gnomAD exomes 0.00159 and 0.00226; ExAC 0.00179; ESP Exome Variant Server 0.00192.
gnomAD v4.1: 3,495 of 1,613,738 alleles (0.22%); highest among the groups gnomAD compares: Non-Finnish European, 0.27%; 8 homozygotes.

Submissions (6):

CeGaT Center for Human Genetics Tuebingen
Classification: Likely benign. Last evaluated: 2025-11-01. Review status: criteria provided, single submitter. Criteria: CeGaT Center For Human Genetics Tuebingen Variant Classification Criteria Version 2. Collection method: clinical testing. Allele origin: germline. Affected: yes. Observed: 3 variant alleles.
Comment: ACAN: BP4, BS2

Blueprint Genetics
Classification: Likely benign. Last evaluated: 2024-10-11. Review status: criteria provided, single submitter. Criteria: ACMG Guidelines, 2015. Collection method: clinical testing. Allele origin: germline.

Women's Health and Genetics/Laboratory Corporation of America, LabCorp
Classification: Likely benign. Last evaluated: 2024-06-14. Review status: criteria provided, single submitter. Criteria: LabCorp Variant Classification Summary - May 2015. Collection method: clinical testing. Allele origin: germline.
Comment: Variant summary: ACAN c.5368T>A (p.Ser1790Thr) results in a conservative amino acid change in the encoded protein sequence. Four of five in-silico tools predict a benign effect of the variant on protein function. The variant allele was found at a frequency of 0.0016 in 249198 control chromosomes, predominantly at a frequency of 0.0029 within the Non-Finnish European subpopulation in the gnomAD database, including 1 homozygotes. The observed variant frequency within Non-Finnish European control individuals in the gnomAD database exceeds the estimated maximal expected allele frequency for a pathogenic variant in ACAN causing ACAN-Related Disorders phenotype. c.5368T>A has been reported in the literature in individuals affected with ACAN-Related Disorders. These report(s) do not provide unequivocal conclusions about association of the variant with ACAN-Related Disorders. To our knowledge, no experimental evidence demonstrating an impact on protein function has been reported. ClinVar contains an entry for this variant (Variation ID: 1205998). Based on the evidence outlined above, the variant was classified as likely benign.

PreventionGenetics, part of Exact Sciences
Classification: Uncertain significance for ACAN-related condition. Last evaluated: 2024-03-14. Review status: no assertion criteria provided. Collection method: clinical testing. Allele origin: germline. Not counted in ClinVar's aggregate classification.
Comment: The ACAN c.5368T>A variant is predicted to result in the amino acid substitution p.Ser1790Thr. This variant was reported in an individual with hearing loss (Table S10, Lewis et al 2018. PubMed ID: 30180840). This variant is reported in 0.35% of alleles in individuals of Ashkenazi Jewish descent in gnomAD. At this time, the clinical significance of this variant is uncertain due to the absence of conclusive functional and genetic evidence.

Clinical Genetics DNA and cytogenetics Diagnostics Lab, Erasmus MC, Erasmus Medical Center
Classification: Likely benign. Review status: no assertion criteria provided. Collection method: clinical testing. Allele origin: germline. Affected: yes. Study: VKGL Data-share Consensus. Not counted in ClinVar's aggregate classification.

Laboratory of Diagnostic Genome Analysis, Leiden University Medical Center (LUMC)
Classification: Likely benign. Review status: no assertion criteria provided. Collection method: clinical testing. Allele origin: germline. Affected: yes. Study: VKGL Data-share Consensus. Not counted in ClinVar's aggregate classification.

Literature cited by the submitters: PubMed 30180840 (cited by Women's Health and Genetics/Laboratory Corporation of America, LabCorp).

NM_001369268.1(ACAN):c.5368T>A (p.Ser1790Thr)

Gene: ACAN (aggrecan; plus strand). Cytogenetic location: 15q26.1.
Variant type: single nucleotide variant.
Coding change: c.5368T>A on transcript NM_001369268.1 (MANE Select); coding-DNA position 5368, T replaced by A.
Protein change: p.Ser1790Thr; replaces serine 1790 with threonine.
Molecular consequence: missense variant.
Genome position (GRCh38, 1-based): chr15:88,857,953, T>A. VCF-style: chr15-88857953-T-A. GRCh37 (hg19) VCF-style: chr15-89401184-T-A.
Other names: c.5368T>A, p.Ser1790Thr (NM_001135.4, NM_013227.4); c.5368T>A (NM_013227.3); short protein forms S1790T.
Identifiers: ClinVar variation 1205998 (VCV001205998.18), dbSNP rs201149160, ClinGen allele CA7720193.